The following is an entry in ClinVar:

ClinVar aggregate classification (germline): Conflicting classifications of pathogenicity. Review status: criteria provided, conflicting classifications (1 of 4 stars). 6 submissions from 6 submitters: Uncertain significance (5); Likely benign (1). Last evaluated 2025-09-01.

Conditions:
Inborn genetic diseases. Identifiers: MedGen C0950123, MeSH D030342.
Weill-Marchesani 4 syndrome, recessive. Also called: Weill-Marchesani syndrome 4. Identifiers: Orphanet 363992, MedGen C2750787, MONDO:0013176, OMIM 613195.

Allele frequency attached by ClinVar (database versions not stated): TOPMed 0.00038; gnomAD exomes 0.00075 and 0.00077.
gnomAD v4.1: 828 of 1,177,566 alleles (0.07%); highest among the groups gnomAD compares: Non-Finnish European, 0.08%; 1 homozygote.

Submissions (6):

Ambry Genetics
Classification: Uncertain significance for Inborn genetic diseases. Last evaluated: 2025-09-01. Review status: criteria provided, single submitter. Criteria: Ambry Variant Classification Scheme 2023. Collection method: clinical testing. Allele origin: germline.

Mayo Clinic Laboratories, Mayo Clinic
Classification: Likely benign. Last evaluated: 2024-12-13. Review status: criteria provided, single submitter. Criteria: ACMG Guidelines, 2015. Collection method: clinical testing. Allele origin: germline. Observed: 2 variant alleles.
Comment: BS1, BP4

Fulgent Genetics
Classification: Uncertain significance for Weill-Marchesani 4 syndrome, recessive. Last evaluated: 2024-05-01. Review status: criteria provided, single submitter. Criteria: ACMG Guidelines, 2015. Collection method: clinical testing. Allele origin: germline.

Labcorp Genetics (formerly Invitae), Labcorp
Classification: Uncertain significance. Last evaluated: 2022-08-21. Review status: criteria provided, single submitter. Criteria: Invitae Variant Classification Sherloc (09022015). Collection method: clinical testing. Allele origin: germline.
Comment: This sequence change replaces proline, which is neutral and non-polar, with alanine, which is neutral and non-polar, at codon 72 of the ADAMTS17 protein (p.Pro72Ala). This variant is present in population databases (no rsID available, gnomAD 0.1%), and has an allele count higher than expected for a pathogenic variant. This variant has not been reported in the literature in individuals affected with ADAMTS17-related conditions. ClinVar contains an entry for this variant (Variation ID: 887944). Algorithms developed to predict the effect of missense changes on protein structure and function are either unavailable or do not agree on the potential impact of this missense change (SIFT: "Not Available"; PolyPhen-2: "Benign"; Align-GVGD: "Not Available"). In summary, the available evidence is currently insufficient to determine the role of this variant in disease. Therefore, it has been classified as a Variant of Uncertain Significance.

Department of Pathology and Laboratory Medicine, Sinai Health System
Classification: Uncertain significance for Weill-Marchesani 4 syndrome, recessive. Last evaluated: 2021-10-06. Review status: criteria provided, single submitter. Criteria: ACMG Guidelines, 2015. Collection method: research. Allele origin: germline.

Illumina Laboratory Services, Illumina
Classification: Uncertain significance for Weill-Marchesani 4 syndrome, recessive. Last evaluated: 2018-01-12. Review status: criteria provided, single submitter. Criteria: ICSL Variant Classification Criteria 13 December 2019. Collection method: clinical testing. Allele origin: germline.

NM_139057.4(ADAMTS17):c.214C>G (p.Pro72Ala)

Gene: ADAMTS17 (ADAM metallopeptidase with thrombospondin type 1 motif 17; minus strand). Cytogenetic location: 15q26.3.
Variant type: single nucleotide variant.
Coding change: c.214C>G on transcript NM_139057.4 (MANE Select); coding-DNA position 214, C replaced by G.
Protein change: p.Pro72Ala; replaces proline 72 with alanine.
Molecular consequence: missense variant.
Genome position (GRCh38, 1-based): chr15:100,341,275, G>C on the plus strand (C>G on the coding strand, the complement: ADAMTS17 is on the minus strand). VCF-style: chr15-100341275-G-C. GRCh37 (hg19) VCF-style: chr15-100881480-G-C.
Other names: p.Pro72Ala; short protein forms P72A.
Identifiers: ClinVar variation 887944 (VCV000887944.12), dbSNP rs946108501, ClinGen allele CA275938178.
Genomic context (GRCh38, chr15:100,341,275, plus strand): 5'-GGTCGCGCCCGAAGGCCGGCAGGTGCAGCAGCAGGGCGCGCTCTCCGGGCCGGGCGCGCG[G>C]GGCGGCTGGGGGCGTGCGGGGGCGTCGCCGCCGTCGGGGCCCGGGGGCTGCGGGCAGCGG-3'
Protein context (NP_620688.2, residues 62-82): RRRPRTPPAA[Pro72Ala]RARPGERALL